The following is an entry in ClinVar:

NM_000136.3(FANCC):c.862C>T (p.Pro288Ser)

Genes: FANCC (FA complementation group C; minus strand), AOPEP (aminopeptidase O (putative); plus strand). Cytogenetic location: 9q22.32.
Variant type: single nucleotide variant.
Coding change: c.862C>T on transcript NM_000136.3 (MANE Select); coding-DNA position 862, C replaced by T.
Protein change: p.Pro288Ser; replaces proline 288 with serine.
Molecular consequence: missense variant.
Genome position (GRCh38, 1-based): chr9:95,126,563, G>A on the plus strand (C>T on the coding strand, the complement: FANCC is on the minus strand). VCF-style: chr9-95126563-G-A. GRCh37 (hg19) VCF-style: chr9-97888845-G-A.
Other names: c.862C>T, p.Pro288Ser (NM_001243743.2, NM_001243744.2); short protein forms P288S.
Identifiers: ClinVar variation 822610 (VCV000822610.8), dbSNP rs1588106749, ClinGen allele CA374109117.

ClinVar aggregate classification (germline): Uncertain significance. Review status: criteria provided, multiple submitters, no conflicts (2 of 4 stars). 2 submissions from 2 submitters: Uncertain significance (2). Last evaluated 2025-02-26.

Conditions:
Hereditary cancer-predisposing syndrome. Also called: Tumor predisposition; Hereditary Cancer Syndrome; Neoplastic Syndromes, Hereditary; Hereditary neoplastic syndrome. Identifiers: Orphanet 140162, MedGen C0027672, MeSH D009386, MONDO:0015356.
Fanconi anemia (FA). Also called: Fanconi's anemia. Identifiers: Orphanet 84, MedGen C0015625, MeSH D005199, MONDO:0019391.

Submissions (2):

Labcorp Genetics (formerly Invitae), Labcorp
Classification: Uncertain significance for Fanconi anemia. Last evaluated: 2025-02-26. Review status: criteria provided, single submitter. Criteria: Invitae Variant Classification Sherloc (09022015). Collection method: clinical testing. Allele origin: germline.
Comment: This sequence change replaces proline, which is neutral and non-polar, with serine, which is neutral and polar, at codon 288 of the FANCC protein (p.Pro288Ser). This variant is not present in population databases (gnomAD no frequency). This variant has not been reported in the literature in individuals affected with FANCC-related conditions. ClinVar contains an entry for this variant (Variation ID: 822610). Invitae Evidence Modeling of protein sequence and biophysical properties (such as structural, functional, and spatial information, amino acid conservation, physicochemical variation, residue mobility, and thermodynamic stability) indicates that this missense variant is expected to disrupt FANCC protein function with a positive predictive value of 80%. In summary, the available evidence is currently insufficient to determine the role of this variant in disease. Therefore, it has been classified as a Variant of Uncertain Significance.

Ambry Genetics
Classification: Uncertain significance for Hereditary cancer-predisposing syndrome. Last evaluated: 2022-08-12. Review status: criteria provided, single submitter. Criteria: Ambry Variant Classification Scheme 2023. Collection method: clinical testing. Allele origin: germline.
Comment: The p.P288S variant (also known as c.862C>T), located in coding exon 8 of the FANCC gene, results from a C to T substitution at nucleotide position 862. The proline at codon 288 is replaced by serine, an amino acid with similar properties. This amino acid position is well conserved in available vertebrate species. In addition, this alteration is predicted to be tolerated by in silico analysis. Since supporting evidence is limited at this time, the clinical significance of this alteration remains unclear.